The following is an entry in ClinVar:

ClinVar aggregate classification (germline): Uncertain significance (1 of 4 stars; one submission).

Allele frequency attached by ClinVar (database versions not stated): gnomAD exomes below 0.00001.
gnomAD v4.1: 2 of 1,613,686 alleles (0.00012%); highest among the groups gnomAD compares: Non-Finnish European, 0.000085%; no homozygotes.

Submission:

Labcorp Genetics (formerly Invitae), Labcorp
Classification: Uncertain significance. Last evaluated: 2022-02-13. Review status: criteria provided, single submitter. Criteria: Invitae Variant Classification Sherloc (09022015). Collection method: clinical testing. Allele origin: germline.
Comment: This variant has not been reported in the literature in individuals affected with DCHS1-related conditions. This sequence change replaces serine, which is neutral and polar, with phenylalanine, which is neutral and non-polar, at codon 1690 of the DCHS1 protein (p.Ser1690Phe). This variant is not present in population databases (gnomAD no frequency). Advanced modeling of protein sequence and biophysical properties (such as structural, functional, and spatial information, amino acid conservation, physicochemical variation, residue mobility, and thermodynamic stability) performed at Invitae indicates that this missense variant is not expected to disrupt DCHS1 protein function. In summary, the available evidence is currently insufficient to determine the role of this variant in disease. Therefore, it has been classified as a Variant of Uncertain Significance.

NM_003737.4(DCHS1):c.5069C>T (p.Ser1690Phe)

Gene: DCHS1 (dachsous cadherin-related 1; minus strand). Cytogenetic location: 11p15.4.
Variant type: single nucleotide variant.
Coding change: c.5069C>T on transcript NM_003737.4 (MANE Select); coding-DNA position 5069, C replaced by T.
Protein change: p.Ser1690Phe; replaces serine 1690 with phenylalanine.
Molecular consequence: missense variant.
Genome position (GRCh38, 1-based): chr11:6,629,544, G>A on the plus strand (C>T on the coding strand, the complement: DCHS1 is on the minus strand). VCF-style: chr11-6629544-G-A. GRCh37 (hg19) VCF-style: chr11-6650775-G-A.
Other names: short protein forms S1690F.
Identifiers: ClinVar variation 2097342 (VCV002097342.4), dbSNP rs1023242194, ClinGen allele CA379397434.